The following is an entry in ClinVar:

NM_000016.6(ACADM):c.1008T>A (p.Ser336Arg)

Gene: ACADM (acyl-CoA dehydrogenase medium chain; plus strand). Cytogenetic location: 1p31.1.
Variant type: single nucleotide variant.
Coding change: c.1008T>A on transcript NM_000016.6 (MANE Select); coding-DNA position 1008, T replaced by A.
Protein change: p.Ser336Arg; replaces serine 336 with arginine.
Molecular consequence: missense variant.
Genome position (GRCh38, 1-based): chr1:75,761,184, T>A. VCF-style: chr1-75761184-T-A. GRCh37 (hg19) VCF-style: chr1-76226869-T-A.
Other names: c.1020T>A, p.Ser340Arg (NM_001127328.3); c.900T>A, p.Ser300Arg (NM_001286042.2); c.1107T>A, p.Ser369Arg (NM_001286043.2); c.441T>A, p.Ser147Arg (NM_001286044.2); short protein forms S336R, S340R, S369R, S147R, S300R.
Identifiers: ClinVar variation 5003206 (VCV005003206.1).

ClinVar aggregate classification (germline): Likely pathogenic (1 of 4 stars; one submission).

Conditions:
Medium-chain acyl-coenzyme A dehydrogenase deficiency (ACADMD). Also called: MCAD Deficiency; MCADD; CARNITINE DEFICIENCY SECONDARY TO MEDIUM-CHAIN ACYL-CoA DEHYDROGENASE DEFICIENCY; ACADM DEFICIENCY; MCADH DEFICIENCY; Medium chain acyl-CoA dehydrogenase deficiency. Identifiers: Orphanet 42, MedGen C0220710, MONDO:0008721, OMIM 201450.

gnomAD v4.1: 6 of 1,614,120 alleles (0.00037%); highest among the groups gnomAD compares: Non-Finnish European, 0.00051%; no homozygotes.

Submission:

Myriad Genetics, Inc.
Classification: Likely pathogenic for Medium-chain acyl-coenzyme A dehydrogenase deficiency. Last evaluated: 2026-04-22. Review status: criteria provided, single submitter. Criteria: Myriad Autosomal Dominant, Autosomal Recessive and X-Linked Classification Criteria (2023). Collection method: clinical testing. Allele origin: unknown.
Comment: NM_000016.4(ACADM):c.1008T>A(S336R) is a missense variant classified as likely pathogenic in the context of medium-chain acyl-CoA dehydrogenase deficiency. S336R has been observed in a case with relevant disease (PMID: 8198141). Relevant functional assessments of this variant are available in the literature (PMID: 8198141). S336R has not been observed in referenced population frequency databases. In summary, NM_000016.4(ACADM):c.1008T>A(S336R) is a missense variant that has functional support for pathogenicity and has been observed more frequently in cases with the relevant disease than in healthy populations. Please note: this variant was assessed in the context of healthy population screening.

Literature cited by the submitters: PubMed 8198141.